The following is an entry in ClinVar:

ClinVar aggregate classification (germline): Uncertain significance (1 of 4 stars; one submission).

Conditions:
Hereditary cancer-predisposing syndrome. Also called: Hereditary neoplastic syndrome; Neoplastic Syndromes, Hereditary; Tumor predisposition; Hereditary Cancer Syndrome. Identifiers: Orphanet 140162, MedGen C0027672, MeSH D009386, MONDO:0015356.

Submission:

Ambry Genetics
Classification: Uncertain significance for Hereditary cancer-predisposing syndrome. Last evaluated: 2025-09-07. Review status: criteria provided, single submitter. Criteria: Ambry Variant Classification Scheme 2023. Collection method: clinical testing. Allele origin: germline.
Comment: The p.K175T variant (also known as c.524A>C), located in coding exon 4 of the RAD50 gene, results from an A to C substitution at nucleotide position 524. The lysine at codon 175 is replaced by threonine, an amino acid with similar properties. This amino acid position is conserved. In addition, the in silico prediction for this alteration is inconclusive. Based on the available evidence, the clinical significance of this variant remains unclear.

NM_005732.4(RAD50):c.524A>C (p.Lys175Thr)

Gene: RAD50 (RAD50 double strand break repair protein; plus strand). Cytogenetic location: 5q31.1.
Variant type: single nucleotide variant.
Coding change: c.524A>C on transcript NM_005732.4 (MANE Select); coding-DNA position 524, A replaced by C.
Protein change: p.Lys175Thr; replaces lysine 175 with threonine.
Molecular consequence: missense variant.
Genome position (GRCh38, 1-based): chr5:132,579,475, A>C. VCF-style: chr5-132579475-A-C. GRCh37 (hg19) VCF-style: chr5-131915167-A-C.
Other names: short protein forms K175T.
Identifiers: ClinVar variation 4149745 (VCV004149745.1).